The following is an entry in ClinVar:

ClinVar aggregate classification (germline): Pathogenic (1 of 4 stars; one submission).

Conditions:
Hereditary cancer-predisposing syndrome. Also called: Hereditary Cancer Syndrome; Neoplastic Syndromes, Hereditary; Hereditary neoplastic syndrome; Tumor predisposition. Identifiers: Orphanet 140162, MedGen C0027672, MeSH D009386, MONDO:0015356.

Submission:

Ambry Genetics
Classification: Pathogenic for Hereditary cancer-predisposing syndrome. Last evaluated: 2016-11-18. Review status: criteria provided, single submitter. Criteria: Ambry Variant Classification Scheme 2023. Collection method: clinical testing. Allele origin: germline.
Comment: The c.1617delCinsTGT pathogenic mutation, located in coding exon 12 of the APC gene, results from the deletion of one nucleotide and insertion of 3 nucleotides causing a translational frameshift with a predicted alternate stop codon. This alteration is expected to result in loss of function by premature protein truncation or nonsense-mediated mRNA decay. As such, this alteration is interpreted as a disease-causing mutation.

NM_000038.6(APC):c.1617delinsTGT (p.Leu540fs)

Gene: APC (APC regulator of Wnt signaling pathway; plus strand). Cytogenetic location: 5q22.2.
Variant type: Indel.
Coding change: c.1617delinsTGT on transcript NM_000038.6 (MANE Select); coding-DNA position 1617, C replaced by TGT.
Protein change: p.Leu540fs; shifts the reading frame from leucine 540.
Molecular consequence: frameshift variant.
Genome position (GRCh38, 1-based): chr5:112,827,997, C replaced by TGT. VCF-style: chr5-112827997-C-TGT. GRCh37 (hg19) VCF-style: chr5-112163694-C-TGT.
Other names: c.1617delinsTGT, p.Leu540fs (NM_001127510.3, NM_001354895.2); c.1563delinsTGT, p.Leu522fs (NM_001127511.3); c.1671delinsTGT, p.Leu558fs (NM_001354896.2); c.1647delinsTGT, p.Leu550fs (NM_001354897.2); c.1542delinsTGT, p.Leu515fs (NM_001354898.2); c.1533delinsTGT, p.Leu512fs (NM_001354899.2); c.1494delinsTGT, p.Leu499fs (NM_001354900.2); c.1440delinsTGT, p.Leu481fs (NM_001354901.2); and 5 more; short protein forms L380fs, L449fs, L499fs, L512fs, L558fs, L414fs, L439fs, L481fs.
Identifiers: ClinVar variation 428182 (VCV000428182.5), dbSNP rs1114167613, ClinGen allele CA645369320.